The following is an entry in ClinVar:

NM_001271.4(CHD2):c.2974-16G>C

Genes: CHD2 (chromodomain helicase DNA binding protein 2; plus strand), LOC126862230 (P300/CBP strongly-dependent group 1 enhancer GRCh37_chr15:93523977-93525176; plus strand). Cytogenetic location: 15q26.1.
Variant type: single nucleotide variant.
Coding change: c.2974-16G>C on transcript NM_001271.4 (MANE Select); 16 bases into the intron before coding-DNA position 2974, G replaced by C.
Molecular consequence: intron variant.
Genome position (GRCh38, 1-based): chr15:92,981,349, G>C. VCF-style: chr15-92981349-G-C. GRCh37 (hg19) VCF-style: chr15-93524579-G-C.
Identifiers: ClinVar variation 511856 (VCV000511856.6), dbSNP rs990532473, ClinGen allele CA274856547.

ClinVar aggregate classification (germline): Likely benign. Review status: criteria provided, multiple submitters, no conflicts (2 of 4 stars). 2 submissions from 2 submitters: Likely benign (2). Last evaluated 2024-04-25.

Conditions:
Developmental and epileptic encephalopathy 94 (DEE94). Also called: CHD2-Related Neurodevelopmental Disorders; Epileptic encephalopathy, childhood-onset. Identifiers: Orphanet 1942, Orphanet 2382, MedGen C3809278, MONDO:0014150, OMIM 615369.

Allele frequency attached by ClinVar (database versions not stated): gnomAD exomes 0.00001; TOPMed 0.00001; gnomAD 0.00002.
gnomAD v4.1: 23 of 1,599,296 alleles (0.0014%); highest among the groups gnomAD compares: African/African-American, 0.0054%; no homozygotes.

Submissions (2):

Labcorp Genetics (formerly Invitae), Labcorp
Classification: Likely benign for Developmental and epileptic encephalopathy 94. Last evaluated: 2024-04-25. Review status: criteria provided, single submitter. Criteria: Invitae Variant Classification Sherloc (09022015). Collection method: clinical testing. Allele origin: germline.

GeneDx
Classification: Likely benign. Last evaluated: 2017-08-31. Review status: criteria provided, single submitter. Criteria: GeneDx Variant Classification (06012015). Collection method: clinical testing. Allele origin: germline. Affected: yes.
Comment: This variant is considered likely benign or benign based on one or more of the following criteria: it is a conservative change, it occurs at a poorly conserved position in the protein, it is predicted to be benign by multiple in silico algorithms, and/or has population frequency not consistent with disease.